The following is an entry in ClinVar:

NM_000138.5(FBN1):c.4787G>A (p.Arg1596Gln)

Gene: FBN1 (fibrillin 1; minus strand). Cytogenetic location: 15q21.1.
Variant type: single nucleotide variant.
Coding change: c.4787G>A on transcript NM_000138.5 (MANE Select); coding-DNA position 4787, G replaced by A.
Protein change: p.Arg1596Gln; replaces arginine 1596 with glutamine.
Molecular consequence: missense variant.
Genome position (GRCh38, 1-based): chr15:48,465,819, C>T on the plus strand (G>A on the coding strand, the complement: FBN1 is on the minus strand). VCF-style: chr15-48465819-C-T. GRCh37 (hg19) VCF-style: chr15-48758016-C-T.
Other names: short protein forms R1596Q.
Identifiers: ClinVar variation 923819 (VCV000923819.10), dbSNP rs769588424, ClinGen allele CA053713.
Genomic context (GRCh38, chr15:48,465,819, plus strand): 5'-GTGTGCTTTAAGACAAAGGAAACACAATTACCTTCCAATATAACGGTGATAGGATTTGGT[C>T]GGAAACCTTCCCCTCCAGGACAAAGAATTTTGTACTCGGCTATTGAAACAAAAATTCAAA-3'
Protein context (NP_000129.3, residues 1586-1606): KILCPGGEGF[Arg1596Gln]PNPITVILED

ClinVar aggregate classification (germline): Uncertain significance. Review status: criteria provided, multiple submitters, no conflicts (2 of 4 stars). 5 submissions from 5 submitters: Uncertain significance (4). 1 of the submissions does not count toward it. Last evaluated 2025-01-14.

Conditions:
Marfan syndrome (MFS). Also called: Marfan syndrome, classic; Marfan syndrome type 1; Marfan's syndrome; FBN1-Related Marfan Syndrome; MARFAN SYNDROME, TYPE I. Identifiers: Orphanet 284963, Orphanet 558, MedGen C0024796, MONDO:0007947, OMIM 154700.
FBN1-related disorder. Also called: FBN1-related disorders.
Weill-Marchesani syndrome 2, dominant. Also called: FBN1-Related Weill-Marchesani Syndrome; Weill-Marchesani Syndrome, Autosomal Dominant. Identifiers: Orphanet 2084, MedGen C1869115, MONDO:0012013, OMIM 608328.
Progeroid and marfanoid aspect-lipodystrophy syndrome. Also called: MARFANOID-PROGEROID SYNDROME; MARFAN-PROGEROID-LIPODYSTROPHY SYNDROME; Marfan lipodystrophy syndrome; MARFANOID-PROGEROID-LIPODYSTROPHY SYNDROME. Identifiers: Orphanet 300382, MedGen C4310796, MONDO:0014831, OMIM 616914.
Acromicric dysplasia (ACMICD). Also called: Acromicric skeletal dysplasia. Identifiers: Orphanet 969, MedGen C0265287, MONDO:0007055, OMIM 102370.
Ectopia lentis 1, isolated, autosomal dominant (ECTOL1). Identifiers: Orphanet 1885, MedGen C3541518, MONDO:0007514, OMIM 129600.
Geleophysic dysplasia 2 (GPHYSD2). Identifiers: Orphanet 2623, MedGen C3280054, MONDO:0013612, OMIM 614185.
MASS syndrome (OCTD). Also called: OVERLAP CONNECTIVE TISSUE DISEASE; MASS PHENOTYPE. Identifiers: MedGen C1858556, MONDO:0011431, OMIM 604308.
Stiff skin syndrome (SSKS). Identifiers: Orphanet 2833, MedGen C1861456, MONDO:0008492, OMIM 184900.
Familial thoracic aortic aneurysm and aortic dissection (TAAD). Also called: Thoracic aortic aneurysms and dissections. Identifiers: Orphanet 91387, MedGen C4707243, MONDO:0019625.

Allele frequency attached by ClinVar (database versions not stated): gnomAD exomes below 0.00001; ExAC 0.00001; TOPMed 0.00001.
gnomAD v4.1: 8 of 1,613,774 alleles (0.0005%); highest among the groups gnomAD compares: Non-Finnish European, 0.00059%; no homozygotes.

Submissions (5):

Ambry Genetics
Classification: Uncertain significance for Familial thoracic aortic aneurysm and aortic dissection. Last evaluated: 2025-01-14. Review status: criteria provided, single submitter. Criteria: Ambry Variant Classification Scheme 2023. Collection method: clinical testing. Allele origin: germline.
Comment: The p.R1596Q variant (also known as c.4787G>A), located in coding exon 38 of the FBN1 gene, results from a G to A substitution at nucleotide position 4787. The arginine at codon 1596 is replaced by glutamine, an amino acid with highly similar properties. This amino acid position is highly conserved in available vertebrate species. In addition, the in silico prediction for this alteration is inconclusive. Based on the available evidence, the clinical significance of this variant remains unclear.

All of Us Research Program, National Institutes of Health
Classification: Uncertain significance for Marfan syndrome. Last evaluated: 2023-09-17. Review status: criteria provided, single submitter. Criteria: ACMG Guidelines, 2015. Collection method: clinical testing. Allele origin: germline. Inheritance: Autosomal dominant inheritance. Observed: 3 variant alleles, 3 heterozygotes.
Comment: This missense variant replaces arginine with glutamine at codon 1596 of the FBN1 protein. Computational prediction is inconclusive regarding the impact of this variant on protein structure and function (internally defined REVEL score threshold 0.5 < inconclusive < 0.7, PMID: 27666373). To our knowledge, functional studies have not been reported for this variant. This variant has not been reported in individuals affected with cardiovascular disorders in the literature. This variant has been identified in 1/251144 chromosomes in the general population by the Genome Aggregation Database (gnomAD). The available evidence is insufficient to determine the role of this variant in disease conclusively. Therefore, this variant is classified as a Variant of Uncertain Significance.

This study involves interpretation of variants in research participants for the purpose of population health screening. Participant phenotype was not available at the time of variant classification. Additional details can be found in publication PMID: 35346344, PMCID: PMC8962531

Color Diagnostics, LLC DBA Color Health
Classification: Uncertain significance for Familial thoracic aortic aneurysm and aortic dissection. Last evaluated: 2023-09-07. Review status: criteria provided, single submitter. Criteria: ACMG Guidelines, 2015. Collection method: clinical testing. Allele origin: germline.
Comment: This missense variant replaces arginine with glutamine at codon 1596 of the FBN1 protein. Computational prediction is inconclusive regarding the impact of this variant on protein structure and function (internally defined REVEL score threshold 0.5 < inconclusive < 0.7, PMID: 27666373). To our knowledge, functional studies have not been reported for this variant. This variant has not been reported in individuals affected with cardiovascular disorders in the literature. This variant has been identified in 1/251144 chromosomes in the general population by the Genome Aggregation Database (gnomAD). The available evidence is insufficient to determine the role of this variant in disease conclusively. Therefore, this variant is classified as a Variant of Uncertain Significance.

Fulgent Genetics
Classification: Uncertain significance for Acromicric dysplasia; Ectopia lentis 1, isolated, autosomal dominant; Marfan syndrome; Stiff skin syndrome; MASS syndrome; Weill-Marchesani syndrome 2, dominant; Geleophysic dysplasia 2; Progeroid and marfanoid aspect-lipodystrophy syndrome. Last evaluated: 2021-09-15. Review status: criteria provided, single submitter. Criteria: ACMG Guidelines, 2015. Collection method: clinical testing. Allele origin: unknown.

PreventionGenetics, part of Exact Sciences
Classification: Uncertain significance for FBN1-related condition. Last evaluated: 2024-02-05. Review status: no assertion criteria provided. Collection method: clinical testing. Allele origin: germline. Not counted in ClinVar's aggregate classification.
Comment: The FBN1 c.4787G>A variant is predicted to result in the amino acid substitution p.Arg1596Gln. To our knowledge, this variant has not been reported in the literature. This variant is reported in 0.0033% of alleles in individuals of South Asian descent in gnomAD. A different missense change impacting the same amino acid (c.4787G>C, p.Arg1596Pro) has been reported in members of a family with suspected Marfan syndrome (Table 1: family 1, Hernándiz et al. 2020. PubMed ID: 33174221). At this time, the clinical significance of the p.Arg1596Gln variant is uncertain due to the absence of conclusive functional and genetic evidence.